The following is an entry in ClinVar:

ClinVar aggregate classification (germline): Uncertain significance (1 of 4 stars; one submission).

Submission:

GeneDx
Classification: Uncertain significance. Last evaluated: 2026-03-18. Review status: criteria provided, single submitter. Criteria: GeneDx Variant Classification Process June 2021. Collection method: clinical testing. Allele origin: germline.
Comment: Not observed at significant frequency in large population cohorts (gnomAD); In silico analysis supports that this missense variant has a deleterious effect on protein structure/function; Has not been previously published as pathogenic or benign to our knowledge

NM_001375524.1(TRRAP):c.4268T>C (p.Ile1423Thr)

Gene: TRRAP (transformation/transcription domain associated protein; plus strand). Cytogenetic location: 7q22.1.
Variant type: single nucleotide variant.
Coding change: c.4268T>C on transcript NM_001375524.1 (MANE Select); coding-DNA position 4268, T replaced by C.
Protein change: p.Ile1423Thr; replaces isoleucine 1423 with threonine.
Molecular consequence: missense variant.
Genome position (GRCh38, 1-based): chr7:98,937,684, T>C. VCF-style: chr7-98937684-T-C. GRCh37 (hg19) VCF-style: chr7-98535307-T-C.
Other names: c.4268T>C, p.Ile1423Thr (NM_001244580.2, NM_003496.4); short protein forms I1423T.
Identifiers: ClinVar variation 5009359 (VCV005009359.1).
Genomic context (GRCh38, chr7:98,937,684, plus strand): 5'-TCTTTACAACTTTTCTTTTTTAATAGTTTTTAGAAGGTGCTACCATAGAAGTCGATCAAA[T>C]CCACACACATATGCGACCTTTGCTGATGATGCTGGGAGATTACCGGAGCTTGACGCTGAA-3'
Protein context (NP_001362453.1, residues 1413-1433): LEGATIEVDQ[Ile1423Thr]HTHMRPLLMM